The following is an entry in ClinVar:

ClinVar aggregate classification (germline): Likely benign. Review status: criteria provided, multiple submitters, no conflicts (2 of 4 stars). 4 submissions from 4 submitters: Likely benign (2). 2 of the submissions do not count toward it. Last evaluated 2025-10-19.

Conditions:
Hypertrophic cardiomyopathy. Also called: HYPERTROPHIC MYOCARDIOPATHY. Identifiers: Orphanet 217569, MedGen C0007194, MeSH D002312, MONDO:0005045, HP:0001639.

Allele frequency attached by ClinVar (database versions not stated): ExAC 0.00005; gnomAD exomes 0.00008; gnomAD 0.00023.
gnomAD v4.1: 87 of 1,599,880 alleles (0.0054%); highest among the groups gnomAD compares: Middle Eastern, 0.05%; no homozygotes.

Submissions (4):

Labcorp Genetics (formerly Invitae), Labcorp
Classification: Likely benign for Hypertrophic cardiomyopathy. Last evaluated: 2025-10-19. Review status: criteria provided, single submitter. Criteria: Invitae Variant Classification Sherloc (09022015). Collection method: clinical testing. Allele origin: germline.

GeneDx
Classification: Likely benign. Last evaluated: 2017-04-10. Review status: criteria provided, single submitter. Criteria: GeneDx Variant Classification (06012015). Collection method: clinical testing. Allele origin: germline. Affected: yes.
Comment: This variant is considered likely benign or benign based on one or more of the following criteria: it is a conservative change, it occurs at a poorly conserved position in the protein, it is predicted to be benign by multiple in silico algorithms, and/or has population frequency not consistent with disease.

Clinical Genetics, Academic Medical Center
Classification: Benign. Review status: no assertion criteria provided. Collection method: clinical testing. Allele origin: germline. Affected: yes. Study: VKGL Data-share Consensus. Not counted in ClinVar's aggregate classification.

Diagnostic Laboratory, Department of Genetics, University Medical Center Groningen
Classification: Likely benign. Review status: no assertion criteria provided. Collection method: clinical testing. Allele origin: germline. Affected: yes. Study: VKGL Data-share Consensus. Not counted in ClinVar's aggregate classification.

NM_020433.5(JPH2):c.379+12T>G

Gene: JPH2 (junctophilin 2; minus strand). Cytogenetic location: 20q13.12.
Variant type: single nucleotide variant.
Coding change: c.379+12T>G on transcript NM_020433.5 (MANE Select); 12 bases into the intron after coding-DNA position 379, T replaced by G.
Molecular consequence: intron variant.
Genome position (GRCh38, 1-based): chr20:44,186,315, A>C on the plus strand (T>G on the coding strand, the complement: JPH2 is on the minus strand). VCF-style: chr20-44186315-A-C. GRCh37 (hg19) VCF-style: chr20-42814955-A-C.
Other names: c.379+12T>G (NM_175913.4).
Identifiers: ClinVar variation 516987 (VCV000516987.11), dbSNP rs763058686, ClinGen allele CA9868886.
Genomic context (GRCh38, chr20:44,186,315, plus strand): 5'-TCCCACCCTCCACCAGGGTTTCTCACCCTCCCTGGCTCCACCCCACCTCTGCGGGCCCCC[A>C]GCTGGCCTCACCTCCATCAGCATAGGTCTCGGTGCCATAGCCGTCTTGCAGGCCATTGTT-3'